The following is an entry in ClinVar:

NM_000138.5(FBN1):c.8405dup (p.Phe2803fs)

Gene: FBN1 (fibrillin 1; minus strand). Cytogenetic location: 15q21.1.
Variant type: Duplication.
Coding change: c.8405dup on transcript NM_000138.5 (MANE Select); coding-DNA position 8405, one base duplicated (G; older notation c.8405dupG).
Protein change: p.Phe2803fs; shifts the reading frame from phenylalanine 2803.
Molecular consequence: frameshift variant.
Genome position (GRCh38, 1-based): chr15:48,411,201, C duplicated on the plus strand (G on the coding strand, the reverse complement: FBN1 is on the minus strand); the first of 2 consecutive C bases (chr15:48,411,201-48,411,202); duplicating either gives the same sequence. VCF-style (leftmost placement, unchanged base first): chr15-48411200-G-GC. GRCh37 (hg19) VCF-style: chr15-48703397-G-GC.
Other names: c.8405dupG (NM_000138.4); short protein forms F2803fs.
Identifiers: ClinVar variation 520233 (VCV000520233.5), dbSNP rs1555393539, ClinGen allele CA658798337.
Genomic context (GRCh38, chr15:48,411,200, plus strand): 5'-TGGCTTCTTCTTTGTGAAGTGGAGGTAGCTGATCCCTTCCTTTTGGTTGATTTTAAAGAA[G>GC]CCATCTTCATTTCCAGATTCGATCAAGTATCTGTTGTGATTCGTCAGAGTTGTAAGAGCT-3'

ClinVar aggregate classification (germline): Pathogenic (1 of 4 stars; one submission).

Conditions:
Familial thoracic aortic aneurysm and aortic dissection (TAAD). Also called: Thoracic aortic aneurysms and dissections. Identifiers: Orphanet 91387, MedGen C4707243, MONDO:0019625.

Submission:

Ambry Genetics
Classification: Pathogenic for Familial thoracic aortic aneurysm and aortic dissection. Last evaluated: 2016-10-19. Review status: criteria provided, single submitter. Criteria: Ambry Variant Classification Scheme 2023. Collection method: clinical testing. Allele origin: germline.
Comment: The c.8405dupG pathogenic mutation, located in coding exon 65 of the FBN1 gene, results from a duplication of one nucleotide at position 8405, causing a translational frameshift with a predicted alternate stop codon (p.F2803Lfs*3). Frameshifts are typically deleterious in nature; however, this frameshift occurs at the 3' terminus of FBN1, is not expected to trigger nonsense-mediated mRNA decay, and impacts only the last 69 amino acids of the C-terminal propeptide of the protein. Although the exact functional impact of these altered amino acids is unknown at this time, a functional study has demonstrated that other truncations within the C-terminal propeptide (both 5' and 3' of this alteration) interfere with FBN1 secretion (Jensen SA et al. Proc. Natl. Acad. Sci. U.S.A. 2014;111:10155-60). In addition, a number of truncations past this position have been reported in individuals with Marfan syndrome in the literature. This alteration is expected to result in loss of function by premature protein truncation. As such, this alteration is interpreted as a disease-causing mutation.

Literature cited by the submitters: PubMed 24982166.